The following is an entry in ClinVar:

ClinVar aggregate classification (germline): Uncertain significance. Review status: criteria provided, single submitter (1 of 4 stars). 2 submissions from 2 submitters: Uncertain significance (1). 1 of the submissions does not count toward it. Last evaluated 2021-08-31.

Conditions:
Late-infantile neuronal ceroid lipofuscinosis. Also called: Jansky-Bielschowsky disease. Identifiers: MedGen C0022340, MONDO:0015674.
Neuronal ceroid lipofuscinosis 7 (CLN7). Also called: MFSD8-Related Neuronal Ceroid-Lipofuscinosis. Identifiers: Orphanet 168491, Orphanet 228366, MedGen C1838571, MONDO:0012588, OMIM 610951.

Allele frequency attached by ClinVar (database versions not stated): gnomAD exomes below 0.00001.

Submissions (2):

Labcorp Genetics (formerly Invitae), Labcorp
Classification: Uncertain significance for Neuronal ceroid lipofuscinosis 7. Last evaluated: 2021-08-31. Review status: criteria provided, single submitter. Criteria: Invitae Variant Classification Sherloc (09022015). Collection method: clinical testing. Allele origin: germline.
Comment: This sequence change replaces histidine with tyrosine at codon 125 of the MFSD8 protein (p.His125Tyr). The histidine residue is moderately conserved and there is a moderate physicochemical difference between histidine and tyrosine. This variant is not present in population databases (ExAC no frequency). This variant has not been reported in the literature in individuals affected with MFSD8-related conditions. Algorithms developed to predict the effect of missense changes on protein structure and function (SIFT, PolyPhen-2, Align-GVGD) all suggest that this variant is likely to be tolerated. In summary, the available evidence is currently insufficient to determine the role of this variant in disease. Therefore, it has been classified as a Variant of Uncertain Significance.

Natera, Inc.
Classification: Uncertain significance for Late-infantile neuronal ceroid lipofuscinosis. Last evaluated: 2021-05-03. Review status: no assertion criteria provided. Collection method: clinical testing. Allele origin: germline. Not counted in ClinVar's aggregate classification.

NM_001371596.2(MFSD8):c.373C>T (p.His125Tyr)

Gene: MFSD8 (major facilitator superfamily domain containing 8; minus strand). Cytogenetic location: 4q28.2.
Variant type: single nucleotide variant.
Coding change: c.373C>T on transcript NM_001371596.2 (MANE Select); coding-DNA position 373, C replaced by T.
Protein change: p.His125Tyr; replaces histidine 125 with tyrosine.
Molecular consequence: missense variant.
Genome position (GRCh38, 1-based): chr4:127,943,818, G>A on the plus strand (C>T on the coding strand, the complement: MFSD8 is on the minus strand). VCF-style: chr4-127943818-G-A. GRCh37 (hg19) VCF-style: chr4-128864973-G-A.
Other names: c.373C>T, p.His125Tyr (NM_001363520.3, NM_001363521.3, NM_001371591.2 and 5 more transcripts); c.238C>T, p.His80Tyr (NM_001371590.2, NM_001371595.1, NM_001410765.1); short protein forms H125Y, H80Y.
Identifiers: ClinVar variation 574230 (VCV000574230.6), dbSNP rs1560754109, ClinGen allele CA358176786.
Genomic context (GRCh38, chr4:127,943,818, plus strand): 5'-CAATTCCCAACAATCCACGAGCAACCAGCATGTAGTATTTATTATGAGAAGCTGGGATGT[G>A]GAGATATGCATAGAGGCAGTTGGCTGCCACGGAAATCAAGATGGAGACAATAAGAGGCTC-3'
Protein context (NP_001358525.1, residues 115-135): VAANCLYAYL[His125Tyr]IPASHNKYYM